The following is an entry in ClinVar:

ClinVar aggregate classification (germline): Likely benign. Review status: criteria provided, multiple submitters, no conflicts (2 of 4 stars). 3 submissions from 3 submitters: Likely benign (2). 1 of the submissions does not count toward it. Last evaluated 2025-11-03.

Conditions:
Cerebral cavernous malformation 2. Also called: Familial Cerebral Cavernous Malformation 2. Identifiers: Orphanet 221061, MedGen C1864041, MONDO:0011304, OMIM 603284.
CCM2-related disorder. Also called: CCM2-related condition.
Inborn genetic diseases. Identifiers: MedGen C0950123, MeSH D030342.

Allele frequency attached by ClinVar (database versions not stated): ExAC 0.00012; 1000 Genomes Project 0.00020; gnomAD exomes 0.00020 and 0.00021; 1000 Genomes Project 30x 0.00031; ESP Exome Variant Server 0.00031; TOPMed 0.00046; gnomAD 0.00052 and 0.00053.
gnomAD v4.1: 393 of 1,613,958 alleles (0.024%); highest among the groups gnomAD compares: Admixed American, 0.14%; 2 homozygotes.

Submissions (3):

Labcorp Genetics (formerly Invitae), Labcorp
Classification: Likely benign for Cerebral cavernous malformation 2. Last evaluated: 2025-11-03. Review status: criteria provided, single submitter. Criteria: Invitae Variant Classification Sherloc (09022015). Collection method: clinical testing. Allele origin: germline.

Ambry Genetics
Classification: Likely benign for Inborn genetic diseases. Last evaluated: 2023-04-30. Review status: criteria provided, single submitter. Criteria: Ambry Variant Classification Scheme 2023. Collection method: clinical testing. Allele origin: germline.

PreventionGenetics, part of Exact Sciences
Classification: Likely benign for CCM2-related condition. Last evaluated: 2019-11-11. Review status: no assertion criteria provided. Collection method: clinical testing. Allele origin: germline. Not counted in ClinVar's aggregate classification.
Comment: This variant is classified as likely benign based on ACMG/AMP sequence variant interpretation guidelines (Richards et al. 2015 PMID: 25741868, with internal and published modifications).

NM_031443.4(CCM2):c.735C>T (p.Ser245=)

Gene: CCM2 (CCM2 scaffold protein; plus strand). Cytogenetic location: 7p13.
Variant type: single nucleotide variant.
Coding change: c.735C>T on transcript NM_031443.4 (MANE Select); coding-DNA position 735, C replaced by T.
Protein change: p.Ser245=; no amino-acid change (serine 245 retained).
Molecular consequence: synonymous variant. On other transcripts: non-coding transcript variant (1), intron variant (1).
Genome position (GRCh38, 1-based): chr7:45,069,951, C>T. VCF-style: chr7-45069951-C-T. GRCh37 (hg19) VCF-style: chr7-45109550-C-T.
Other names: c.798C>T, p.Ser266= (NM_001029835.2); c.561C>T, p.Ser187= (NM_001167934.2, NM_001363459.2); c.735C>T, p.Ser245= (NM_001363458.2); c.473-2775C>T (NM_001167935.2).
Identifiers: ClinVar variation 702441 (VCV000702441.10), dbSNP rs199682975, ClinGen allele CA4247068.